The following is an entry in ClinVar:

NM_000321.3(RB1):c.469G>A (p.Val157Ile)

Gene: RB1 (RB transcriptional corepressor 1; plus strand). Cytogenetic location: 13q14.2.
Variant type: single nucleotide variant.
Coding change: c.469G>A on transcript NM_000321.3 (MANE Select); coding-DNA position 469, G replaced by A.
Protein change: p.Val157Ile; replaces valine 157 with isoleucine.
Molecular consequence: missense variant.
Genome position (GRCh38, 1-based): chr13:48,345,168, G>A. VCF-style: chr13-48345168-G-A. GRCh37 (hg19) VCF-style: chr13-48919304-G-A.
Other names: c.469G>A (NM_000321.2); short protein forms V157I.
Identifiers: ClinVar variation 1519352 (VCV001519352.9), dbSNP rs2138087706, ClinGen allele CA388252790.
Genomic context (GRCh38, chr13:48,345,168, plus strand): 5'-GAAATTGATACCAGTACCAAAGTTGATAATGCTATGTCAAGACTGTTGAAGAAGTATGAT[G>A]TATTGTTTGCACTCTTCAGCAAATTGGAAAGGTAAAGTAAACATTTTATTAGGTTTACAC-3'
Protein context (NP_000312.2, residues 147-167): AMSRLLKKYD[Val157Ile]LFALFSKLER

ClinVar aggregate classification (germline): Uncertain significance. Review status: criteria provided, multiple submitters, no conflicts (2 of 4 stars). 2 submissions from 2 submitters: Uncertain significance (2). Last evaluated 2024-10-11.

Conditions:
Hereditary cancer-predisposing syndrome. Also called: Hereditary neoplastic syndrome; Hereditary Cancer Syndrome; Tumor predisposition; Neoplastic Syndromes, Hereditary. Identifiers: Orphanet 140162, MedGen C0027672, MeSH D009386, MONDO:0015356.
Retinoblastoma (RB1). Also called: RETINOBLASTOMA, SOMATIC. Identifiers: Orphanet 790, MedGen C0035335, MeSH D012175, MONDO:0008380, OMIM 180200, HP:0009919. Disease mechanism: loss of function. Inheritance: Both sporadic and heritable forms are tested..

Allele frequency attached by ClinVar (database versions not stated): gnomAD exomes below 0.00001.
gnomAD v4.1: 1 of 1,612,670 alleles (0.000062%); highest among the groups gnomAD compares: Non-Finnish European, 0.000085%; no homozygotes.

Submissions (2):

Ambry Genetics
Classification: Uncertain significance for Hereditary cancer-predisposing syndrome. Last evaluated: 2024-10-11. Review status: criteria provided, single submitter. Criteria: Ambry Variant Classification Scheme 2023. Collection method: clinical testing. Allele origin: germline.
Comment: The p.V157I variant (also known as c.469G>A), located in coding exon 4 of the RB1 gene, results from a G to A substitution at nucleotide position 469. The valine at codon 157 is replaced by isoleucine, an amino acid with highly similar properties. This amino acid position is conserved. In addition, this alteration is predicted to be tolerated by in silico analysis. Based on the available evidence, the clinical significance of this variant remains unclear.

Labcorp Genetics (formerly Invitae), Labcorp
Classification: Uncertain significance for Retinoblastoma. Last evaluated: 2021-03-24. Review status: criteria provided, single submitter. Criteria: Invitae Variant Classification Sherloc (09022015). Collection method: clinical testing. Allele origin: germline.
Comment: In summary, the available evidence is currently insufficient to determine the role of this variant in disease. Therefore, it has been classified as a Variant of Uncertain Significance. Algorithms developed to predict the effect of missense changes on protein structure and function (SIFT, PolyPhen-2, Align-GVGD) all suggest that this variant is likely to be disruptive, but these predictions have not been confirmed by published functional studies and their clinical significance is uncertain. This variant has not been reported in the literature in individuals with RB1-related conditions. This variant is not present in population databases (ExAC no frequency). This sequence change replaces valine with isoleucine at codon 157 of the RB1 protein (p.Val157Ile). The valine residue is highly conserved and there is a small physicochemical difference between valine and isoleucine.